The following is an entry in ClinVar:

ClinVar aggregate classification (germline): Uncertain significance (1 of 4 stars; one submission).

Allele frequency attached by ClinVar (database versions not stated): gnomAD exomes 0.00001; ExAC 0.00002; gnomAD 0.00006; TOPMed 0.00014; 1000 Genomes Project 0.00020; 1000 Genomes Project 30x 0.00031.
gnomAD v4.1: 20 of 1,614,190 alleles (0.0012%); highest among the groups gnomAD compares: African/African-American, 0.015%; 1 homozygote.

Submission:

Labcorp Genetics (formerly Invitae), Labcorp
Classification: Uncertain significance. Last evaluated: 2024-10-23. Review status: criteria provided, single submitter. Criteria: Invitae Variant Classification Sherloc (09022015). Collection method: clinical testing. Allele origin: germline.
Comment: This sequence change replaces alanine, which is neutral and non-polar, with threonine, which is neutral and polar, at codon 54 of the NDUFA6 protein (p.Ala54Thr). This variant is present in population databases (rs538730255, gnomAD 0.02%), including at least one homozygous and/or hemizygous individual. This variant has not been reported in the literature in individuals affected with NDUFA6-related conditions. ClinVar contains an entry for this variant (Variation ID: 1933795). An algorithm developed to predict the effect of missense changes on protein structure and function (PolyPhen-2) suggests that this variant is likely to be disruptive. In summary, the available evidence is currently insufficient to determine the role of this variant in disease. Therefore, it has been classified as a Variant of Uncertain Significance.

NM_002490.6(NDUFA6):c.82G>A (p.Ala28Thr)

Gene: NDUFA6 (NADH:ubiquinone oxidoreductase subunit A6; minus strand). Cytogenetic location: 22q13.2.
Variant type: single nucleotide variant.
Coding change: c.82G>A on transcript NM_002490.6 (MANE Select); coding-DNA position 82, G replaced by A.
Protein change: p.Ala28Thr; replaces alanine 28 with threonine.
Molecular consequence: missense variant.
Genome position (GRCh38, 1-based): chr22:42,090,663, C>T on the plus strand (G>A on the coding strand, the complement: NDUFA6 is on the minus strand). VCF-style: chr22-42090663-C-T. GRCh37 (hg19) VCF-style: chr22-42486667-C-T.
Other names: short protein forms A28T.
Identifiers: ClinVar variation 1933795 (VCV001933795.5), dbSNP rs538730255, ClinGen allele CA10264413.